The following is an entry in ClinVar:

NM_001165963.4(SCN1A):c.580G>A (p.Asp194Asn)

Gene: SCN1A (sodium voltage-gated channel alpha subunit 1; minus strand). Cytogenetic location: 2q24.3.
Variant type: single nucleotide variant.
Coding change: c.580G>A on transcript NM_001165963.4 (MANE Select); coding-DNA position 580, G replaced by A.
Protein change: p.Asp194Asn; replaces aspartic acid 194 with asparagine.
Molecular consequence: missense variant. On other transcripts: 5 prime UTR variant (1), non-coding transcript variant (1).
Genome position (GRCh38, 1-based): chr2:166,054,660, C>T on the plus strand (G>A on the coding strand, the complement: SCN1A is on the minus strand). VCF-style: chr2-166054660-C-T. GRCh37 (hg19) VCF-style: chr2-166911170-C-T.
Other names: c.580G>A, p.Asp194Asn (NM_001165964.3, NM_001202435.3, NM_001353948.2 and 10 more transcripts); c.-1846G>A (NM_001353961.2); c.580G>A (NM_001165963.3); short protein forms D194N.
Identifiers: ClinVar variation 68575 (VCV000068575.25), dbSNP rs121917935, ClinGen allele CA285033.

ClinVar aggregate classification (germline): Pathogenic/Likely pathogenic. Review status: criteria provided, multiple submitters, no conflicts (2 of 4 stars). 16 submissions from 16 submitters: Pathogenic (13); Likely pathogenic (2). 1 of the submissions does not count toward it. Last evaluated 2025-09-25.

Conditions:
Severe myoclonic epilepsy in infancy (DRVT). Also called: Severe Myoclonic Epilepsy in Infancy (SMEI); Dravet syndrome; SEVERE MYOCLONIC EPILEPSY OF INFANCY; DEVELOPMENTAL AND EPILEPTIC ENCEPHALOPATHY 6A; Epileptic encephalopathy, early infantile, 6 (Dravet syndrome). Identifiers: Orphanet 33069, MedGen C0751122, MONDO:0100135, OMIM 607208.
Seizure. Also called: Seizures. Identifiers: MedGen C0036572, HP:0001250.
Inborn genetic diseases. Identifiers: MedGen C0950123, MeSH D030342.
Early-infantile DEE. Also called: Early infantile epileptic encephalopathy; Early infantile epileptic encephalopathy with suppression bursts; Ohtahara syndrome. Identifiers: Orphanet 1934, MedGen C0393706, MONDO:0800491.
Autosomal dominant epilepsy.
Febrile seizures, familial, 3a. Also called: Antiepileptic drugs, response to; FEBRILE SEIZURES, FAMILIAL, 3A, SUSCEPTIBILITY TO. Identifiers: MedGen C2751756, MONDO:0800329.
Generalized epilepsy with febrile seizures plus, type 2 (GEFSP2). Also called: GEFS+, TYPE 2. Identifiers: Orphanet 36387, MedGen C1858673, MONDO:0011461, OMIM 604403.
Developmental and epileptic encephalopathy 6B. Also called: Developmental and epileptic encephalopathy 6B, non-Dravet. Identifiers: MedGen C5543353, MONDO:0030268, OMIM 619317.
SCN1A-related disorder. Also called: SCN1A-related disorders; SCN1A-related conditions; SCN1A-related condition.

Submissions 1 to 10 of 16:

3billion
Classification: Pathogenic for SCN1A-related disorder. Last evaluated: 2025-09-25. Review status: criteria provided, single submitter. Criteria: ACMG Guidelines, 2015. Collection method: clinical testing. Allele origin: germline. Affected: yes.
Comment: The variant is not observed in the gnomAD v4.1.0 dataset. Predicted Consequence/Location: Missense variant In silico tool predictions suggest damaging effect of the variant on gene or gene product [REVEL: 0.92 (>=0.6, sensitivity 0.68 and specificity 0.92); 3Cnet: 1.00 (> 0.75, sensitivity 0.96 and precision 0.92)]. The same nucleotide change resulting in the same amino acid change has been previously reported as pathogenic/likely pathogenic with strong evidence (ClinVar ID: VCV000068575 /PMID: 17054684). The variant has been observed in at least two similarly affected unrelated individuals (PMID: 25459968, 32613771). Different missense changes at the same codon (p.Asp194Ala, p.Asp194Gly, p.Asp194Tyr) have been reported to be associated with SCN1A-related disorder (ClinVar ID: VCV000461284 /PMID: 18930999, 25459968, 31440721). Therefore, this variant is classified as Pathogenic according to the recommendation of ACMG/AMP guideline.

Women's Health and Genetics/Laboratory Corporation of America, LabCorp
Classification: Pathogenic. Last evaluated: 2025-03-04. Review status: criteria provided, single submitter. Criteria: LabCorp Variant Classification Summary - May 2015. Collection method: clinical testing. Allele origin: germline.
Comment: Variant summary: SCN1A c.580G>A (p.Asp194Asn) results in a conservative amino acid change in the encoded protein sequence. Four of five in-silico tools predict a damaging effect of the variant on protein function. The variant was absent in 250582 control chromosomes (gnomAD). c.580G>A has been reported in the literature in individuals affected with SCN1A-Related Seizure Disorder (Ishii_2016, Pang_2024), including de novo occurrences. These data indicate that the variant is likely to be associated with disease. To our knowledge, no experimental evidence demonstrating an impact on protein function has been reported. The following publications have been ascertained in the context of this evaluation (PMID: 17347258, 28012175, 38081334). ClinVar contains an entry for this variant (Variation ID: 68575). Based on the evidence outlined above, the variant was classified as pathogenic.

Department of Neurology, Zibo Changguo Hospital
Classification: Pathogenic for Developmental and epileptic encephalopathy 6B; Febrile seizures, familial, 3a; Generalized epilepsy with febrile seizures plus, type 2; Severe myoclonic epilepsy in infancy. Last evaluated: 2025-01-09. Review status: criteria provided, single submitter. Criteria: ACMG Guidelines, 2015. Collection method: clinical testing. Allele origin: germline. Inheritance: Autosomal dominant inheritance. Affected: yes.
Comment: PM5_Strong, PS4_Morderate, PP3_Morderate, PM2_Supporting, PP2

Institute of Immunology and Genetics Kaiserslautern
Classification: Likely pathogenic for Severe myoclonic epilepsy in infancy. Last evaluated: 2024-10-18. Review status: criteria provided, single submitter. Criteria: ACMG Guidelines, 2015. Collection method: clinical testing. Allele origin: germline. Affected: yes.
Comment: ACMG Criteria: PP3, PP5, PM1, PM2, PM5, PS3_M; Variant was found in heterozygous state

Cytogénomique, Hospices Civils de Lyon
Classification: Pathogenic for Seizure. Last evaluated: 2024-10-01. Review status: criteria provided, single submitter. Criteria: ACMG Guidelines, 2015. Collection method: clinical testing. Allele origin: unknown. Affected: yes.

Blueprint Genetics
Classification: Pathogenic for SCN1A-related disorders. Last evaluated: 2024-03-11. Review status: criteria provided, single submitter. Criteria: ACMG Guidelines, 2015. Collection method: clinical testing. Allele origin: germline. Affected: yes. Observed: 1 variant allele.

Institute of Human Genetics, University of Leipzig Medical Center
Classification: Pathogenic for Severe myoclonic epilepsy in infancy. Last evaluated: 2024-02-29. Review status: criteria provided, single submitter. Criteria: ACMG Guidelines, 2015. Collection method: clinical testing. Allele origin: unknown. Inheritance: Autosomal dominant inheritance. Affected: yes.
Comment: Criteria applied: PS4,PM5_STR,PS2_MOD,PM1,PM2_SUP,PP3

Labcorp Genetics (formerly Invitae), Labcorp
Classification: Pathogenic for Early-infantile DEE. Last evaluated: 2024-02-25. Review status: criteria provided, single submitter. Criteria: Invitae Variant Classification Sherloc (09022015). Collection method: clinical testing. Allele origin: germline.
Comment: This sequence change replaces aspartic acid, which is acidic and polar, with asparagine, which is neutral and polar, at codon 194 of the SCN1A protein (p.Asp194Asn). This variant is not present in population databases (gnomAD no frequency). This missense change has been observed in individual(s) with severe myoclonic epilepsy of infancy and/or Dravet syndrome (PMID: 17054684, 19589774, 20562086, 23662938). In at least one individual the variant was observed to be de novo. ClinVar contains an entry for this variant (Variation ID: 68575). Advanced modeling of protein sequence and biophysical properties (such as structural, functional, and spatial information, amino acid conservation, physicochemical variation, residue mobility, and thermodynamic stability) performed at Invitae indicates that this missense variant is expected to disrupt SCN1A protein function with a positive predictive value of 95%. For these reasons, this variant has been classified as Pathogenic.

Ambry Genetics
Classification: Pathogenic for Inborn genetic diseases. Last evaluated: 2024-01-11. Review status: criteria provided, single submitter. Criteria: Ambry Variant Classification Scheme 2023. Collection method: clinical testing. Allele origin: germline.
Comment: The c.580G>A (p.D194N) alteration is located in exon 4 (coding exon 4) of the SCN1A gene. This alteration results from a G to A substitution at nucleotide position 580, causing the aspartic acid (D) at amino acid position 194 to be replaced by an asparagine (N)._x000D_ _x000D_ for autosomal dominant SCN1A-related seizure disorders; however, its clinical significance for autosomal dominant SCN1A-related hemiplegic migraine is uncertain. This variant was not reported in population-based cohorts in the Genome Aggregation Database (gnomAD). This alteration has been reported in multiple individuals with features consistent with SCN1A-related seizure disorders, including multiple cases of reported de novo occurrence (Mancardi, 2006; Azmanov, 2010; Heron, 2010; Kodera, 2013; Cho, 2018; Ouss, 2019; Truty, 2019; Lee, 2020; Marco-Hern&aacute;ndez, 2022; external communication, 2024). Other alterations at the same codon, c.581A>C (p.D194A), c.581A>G (p.D194G), and c.580G>T (p.D194Y), have been reported in individuals with features consistent with SCN1A-related seizure disorders (Depienne, 2009; Lee, 2015; Truty, 2019). This amino acid position is highly conserved in available vertebrate species. The in silico prediction for this alteration is inconclusive. Based on the available evidence, this alteration is classified as pathogenic.

Neuberg Centre For Genomic Medicine, NCGM
Classification: Pathogenic for Severe myoclonic epilepsy in infancy. Last evaluated: 2023-05-20. Review status: criteria provided, single submitter. Criteria: ACMG Guidelines, 2015. Collection method: clinical testing. Allele origin: germline. Inheritance: Autosomal dominant inheritance. Affected: yes.
Comment: The observed missense variant c.580G>A(p.Asp194Asn) in SCN1A gene has been reported previously in heterozygous state in multiple individuals with severe myoclonic epilepsy of infancy and Dravet syndrome (Ouss L, et al., 2018, Kodera H, et al., 2013). A different aminoacid change at the same position p.Asp194Tyr has been reported as Pathogenic in ClinVar. The c.580G>A variant is absent in gnomAD Exomes. This variant has been reported to the ClinVar database as Likely Pathogenic/ Pathogenic. The amino acid Aspartic acid at position 194 is changed to a Asparagine changing protein sequence and it might alter its composition and physico-chemical properties. Multiple lines of computational evidence (Polyphen, SIFT and Mutation Taster) predict a damaging effect on protein structure and function for this variant. The amino acid change p.Asp194Asn in SCN1A is predicted as conserved by GERP++ and PhyloP across 100 vertebrates. For these reasons, this variant has been classified as Pathogenic.